The following is an entry in ClinVar:

ClinVar aggregate classification (germline): Uncertain significance (1 of 4 stars; one submission).

Allele frequency attached by ClinVar (database versions not stated): gnomAD exomes below 0.00001.
gnomAD v4.1: 2 of 1,613,866 alleles (0.00012%); highest among the groups gnomAD compares: Non-Finnish European, 0.000085%; no homozygotes.

Submission:

Athena Diagnostics
Classification: Uncertain significance. Last evaluated: 2024-12-09. Review status: criteria provided, single submitter. Criteria: Athena Diagnostics Criteria. Collection method: clinical testing. Allele origin: unknown.
Comment: Available data are insufficient to determine the clinical significance of the variant at this time. This variant has not been reported in large, multi-ethnic general populations. Polyphen and MutationTaster predict this amino acid change may be benign.

NM_000451.4(SHOX):c.82G>C (p.Gly28Arg)

Gene: SHOX (SHOX homeobox; plus strand). Cytogenetic location: Xp22.33.
Variant type: single nucleotide variant.
Coding change: c.82G>C on transcript NM_000451.4 (MANE Select); coding-DNA position 82, G replaced by C.
Protein change: p.Gly28Arg; replaces glycine 28 with arginine.
Molecular consequence: missense variant.
Genome position (GRCh38, 1-based): chrX:630,979, G>C. VCF-style: chrX-630979-G-C. GRCh37 (hg19) VCF-style: chrX-591714-G-C.
Other names: c.82G>C, p.Gly28Arg (NM_006883.2); short protein forms G28R.
Identifiers: ClinVar variation 994488 (VCV000994488.3), dbSNP rs1170526645, ClinGen allele CA412230709.